The following is an entry in ClinVar:

ClinVar aggregate classification (germline): Uncertain significance. Review status: criteria provided, multiple submitters, no conflicts (2 of 4 stars). 2 submissions from 2 submitters: Uncertain significance (2). Last evaluated 2025-07-18.

Conditions:
Inborn genetic diseases. Identifiers: MedGen C0950123, MeSH D030342.

gnomAD v4.1: 35 of 1,611,620 alleles (0.0022%); highest among the groups gnomAD compares: Non-Finnish European, 0.002%; no homozygotes.

Submissions (2):

Ambry Genetics
Classification: Uncertain significance for Inborn genetic diseases. Last evaluated: 2025-07-18. Review status: criteria provided, single submitter. Criteria: Ambry Variant Classification Scheme 2023. Collection method: clinical testing. Allele origin: germline.

GeneDx
Classification: Uncertain significance. Last evaluated: 2024-02-23. Review status: criteria provided, single submitter. Criteria: GeneDx Variant Classification Process June 2021. Collection method: clinical testing. Allele origin: germline. Affected: yes.
Comment: In silico analysis supports that this missense variant does not alter protein structure/function; Has not been previously published as pathogenic or benign to our knowledge

NM_001017995.3(SH3PXD2B):c.664G>A (p.Glu222Lys)

Gene: SH3PXD2B (SH3 and PX domains 2B; minus strand). Cytogenetic location: 5q35.1.
Variant type: single nucleotide variant.
Coding change: c.664G>A on transcript NM_001017995.3 (MANE Select); coding-DNA position 664, G replaced by A.
Protein change: p.Glu222Lys; replaces glutamic acid 222 with lysine.
Molecular consequence: missense variant.
Genome position (GRCh38, 1-based): chr5:172,358,776, C>T on the plus strand (G>A on the coding strand, the complement: SH3PXD2B is on the minus strand). VCF-style: chr5-172358776-C-T. GRCh37 (hg19) VCF-style: chr5-171785780-C-T.
Other names: c.664G>A, p.Glu222Lys (NM_001308175.2); short protein forms E222K.
Identifiers: ClinVar variation 3369515 (VCV003369515.2).